The following is an entry in ClinVar:

NM_001386393.1(PANK2):c.765C>G (p.Asn255Lys)

Gene: PANK2 (pantothenate kinase 2; plus strand). Cytogenetic location: 20p13.
Variant type: single nucleotide variant.
Coding change: c.765C>G on transcript NM_001386393.1 (MANE Select); coding-DNA position 765, C replaced by G.
Protein change: p.Asn255Lys; replaces asparagine 255 with lysine.
Molecular consequence: missense variant. On other transcripts: 5 prime UTR variant (1), non-coding transcript variant (1).
Genome position (GRCh38, 1-based): chr20:3,910,690, C>G. VCF-style: chr20-3910690-C-G. GRCh37 (hg19) VCF-style: chr20-3891337-C-G.
Other names: c.222C>G, p.Asn74Lys (NM_001324191.2, NM_024960.6, NM_153640.4); c.-214C>G (NM_001324193.2); c.1095C>G, p.Asn365Lys (NM_153638.4); short protein forms N365K, N74K, N255K.
Identifiers: ClinVar variation 571421 (VCV000571421.7), dbSNP rs1427550015, ClinGen allele CA408115023.

ClinVar aggregate classification (germline): Uncertain significance. Review status: criteria provided, multiple submitters, no conflicts (2 of 4 stars). 2 submissions from 2 submitters: Uncertain significance (2). Last evaluated 2024-07-14.

Conditions:
Pigmentary pallidal degeneration (NBIA1). Also called: HARP SYNDROME; Pantothenate Kinase-Associated Neurodegeneration; Neuroaxonal dystrophy, late infantile; Hallervorden-Spatz disease; PKAN NEUROAXONAL DYSTROPHY, JUVENILE-ONSET; Neurodegeneration with brain iron accumulation 1. Identifiers: Orphanet 157850, MedGen C0018523, MONDO:0009319, OMIM 234200.

Allele frequency attached by ClinVar (database versions not stated): gnomAD exomes below 0.00001 and 0.00001; gnomAD 0.00001; TOPMed 0.00002.
gnomAD v4.1: 16 of 1,613,984 alleles (0.00099%); highest among the groups gnomAD compares: Non-Finnish European, 0.0014%; no homozygotes.

Submissions (2):

GeneDx
Classification: Uncertain significance. Last evaluated: 2024-07-14. Review status: criteria provided, single submitter. Criteria: GeneDx Variant Classification Process June 2021. Collection method: clinical testing. Allele origin: germline. Affected: yes.
Comment: Not observed at significant frequency in large population cohorts (gnomAD); In silico analysis supports that this missense variant has a deleterious effect on protein structure/function; Has not been previously published as pathogenic or benign to our knowledge

Labcorp Genetics (formerly Invitae), Labcorp
Classification: Uncertain significance for Pigmentary pallidal degeneration. Last evaluated: 2021-08-28. Review status: criteria provided, single submitter. Criteria: Invitae Variant Classification Sherloc (09022015). Collection method: clinical testing. Allele origin: germline.
Comment: This sequence change replaces asparagine with lysine at codon 365 of the PANK2 protein (p.Asn365Lys). The asparagine residue is highly conserved and there is a moderate physicochemical difference between asparagine and lysine. This variant is not present in population databases (ExAC no frequency). This variant has not been reported in the literature in individuals affected with PANK2-related conditions. Algorithms developed to predict the effect of missense changes on protein structure and function (SIFT, PolyPhen-2, Align-GVGD) all suggest that this variant is likely to be tolerated. In summary, the available evidence is currently insufficient to determine the role of this variant in disease. Therefore, it has been classified as a Variant of Uncertain Significance.